The following is an entry in ClinVar:

ClinVar aggregate classification (germline): Uncertain significance (1 of 4 stars; one submission).

gnomAD v4.1: 2 of 1,552,016 alleles (0.00013%); highest among the groups gnomAD compares: Non-Finnish European, 0.00017%; no homozygotes.

Submission:

Labcorp Genetics (formerly Invitae), Labcorp
Classification: Uncertain significance. Last evaluated: 2024-02-01. Review status: criteria provided, single submitter. Criteria: Invitae Variant Classification Sherloc (09022015). Collection method: clinical testing. Allele origin: germline.
Comment: This sequence change replaces methionine, which is neutral and non-polar, with valine, which is neutral and non-polar, at codon 735 of the CLCN7 protein (p.Met735Val). This variant is not present in population databases (gnomAD no frequency). This variant has not been reported in the literature in individuals affected with CLCN7-related conditions. Advanced modeling of protein sequence and biophysical properties (such as structural, functional, and spatial information, amino acid conservation, physicochemical variation, residue mobility, and thermodynamic stability) performed at Invitae indicates that this missense variant is not expected to disrupt CLCN7 protein function with a negative predictive value of 95%. In summary, the available evidence is currently insufficient to determine the role of this variant in disease. Therefore, it has been classified as a Variant of Uncertain Significance.

NM_001287.6(CLCN7):c.2203A>G (p.Met735Val)

Gene: CLCN7 (chloride voltage-gated channel 7; minus strand). Cytogenetic location: 16p13.3.
Variant type: single nucleotide variant.
Coding change: c.2203A>G on transcript NM_001287.6 (MANE Select); coding-DNA position 2203, A replaced by G.
Protein change: p.Met735Val; replaces methionine 735 with valine.
Molecular consequence: missense variant.
Genome position (GRCh38, 1-based): chr16:1,447,439, T>C on the plus strand (A>G on the coding strand, the complement: CLCN7 is on the minus strand). VCF-style: chr16-1447439-T-C. GRCh37 (hg19) VCF-style: chr16-1497440-T-C.
Other names: c.2131A>G, p.Met711Val (NM_001114331.3); short protein forms M735V, M711V.
Identifiers: ClinVar variation 3637158 (VCV003637158.2).
Genomic context (GRCh38, chr16:1,447,439, plus strand): 5'-GCCCTGCACATGCCTGGGGCACCGTGTAGGGGGAGGGGTTCATGAACTCGGAGAGGTCCA[T>C]GGTGCACTCCCGCTCGTCCTGGGACACGTGGATGGACTGGATGGGTGGGAAGCGCGGGTA-3'
Protein context (NP_001278.1, residues 725-745): HVSQDERECT[Met735Val]DLSEFMNPSP